The following is an entry in ClinVar:

ClinVar aggregate classification (germline): Conflicting classifications of pathogenicity. Review status: criteria provided, conflicting classifications (1 of 4 stars). 2 submissions from 2 submitters: Uncertain significance (1); Likely benign (1). Last evaluated 2025-09-02.

Submissions (2):

Labcorp Genetics (formerly Invitae), Labcorp
Classification: Uncertain significance. Last evaluated: 2025-09-02. Review status: criteria provided, single submitter. Criteria: Invitae Variant Classification Sherloc (09022015). Collection method: clinical testing. Allele origin: germline.
Comment: This variant, c.372_374dup, results in the insertion of 1 amino acid(s) of the ARID1A protein (p.Gly127dup), but otherwise preserves the integrity of the reading frame. This variant is not present in population databases (gnomAD no frequency). This variant has been observed in individual(s) with neurodevelopmental disorder (PMID: 37500730). Experimental studies and prediction algorithms are not available or were not evaluated, and the functional significance of this variant is currently unknown. In summary, the available evidence is currently insufficient to determine the role of this variant in disease. Therefore, it has been classified as a Variant of Uncertain Significance.

Laboratory of Genetics, Children's Clinical University Hospital Latvia
Classification: Likely benign. Last evaluated: 2025-02-16. Review status: criteria provided, single submitter. Criteria: ACMG Guidelines, 2015. Collection method: clinical testing. Allele origin: germline. Affected: yes.

Literature cited by the submitters: PubMed 37500730 (cited by Labcorp Genetics (formerly Invitae), Labcorp).

NM_006015.6(ARID1A):c.363CGG[5] (p.Gly127dup)

Gene: ARID1A (AT-rich interaction domain 1A; plus strand). Cytogenetic location: 1p36.11.
Variant type: Microsatellite.
Coding change: c.363CGG[5] on transcript NM_006015.6 (MANE Select); five copies in a row of the 3-base unit CGG starting at c.363; the reference has four copies in a row; one copy, 3 bases duplicated.
Protein change: p.Gly127dup; duplicates glycine 127.
Molecular consequence: inframe insertion.
Genome position (GRCh38, 1-based): chr1:26,696,775-26,696,777, CGG duplicated; duplicating any 3 consecutive bases within chr1:26,696,766-26,696,777 gives the same sequence; the position shown is the placement nearest the transcript's 3' end. VCF-style (leftmost placement, unchanged base first): chr1-26696765-C-CCGG. GRCh37 (hg19) VCF-style: chr1-27023256-C-CCGG.
Other names: c.363CGG[5], p.Gly127dup (NM_139135.4).
Identifiers: ClinVar variation 1495992 (VCV001495992.9), dbSNP rs951330386, ClinGen allele CA19640560.